The following is an entry in ClinVar:

ClinVar aggregate classification (germline): Benign/Likely benign. Review status: criteria provided, multiple submitters, no conflicts (2 of 4 stars). 3 submissions from 3 submitters: Benign (2); Likely benign (1). Last evaluated 2026-02-03.

Conditions:
Developmental and epileptic encephalopathy, 31A. Also called: Epileptic encephalopathy, early infantile, 31; Developmental and epileptic encephalopathy, 31. Identifiers: Orphanet 2382, MedGen C4225357, MONDO:0014598, OMIM 616346.

Allele frequency attached by ClinVar (database versions not stated): gnomAD exomes 0.00093 and 0.00243; ExAC 0.00295; gnomAD 0.00894 and 0.00965; ESP Exome Variant Server 0.00976; 1000 Genomes Project 0.00998; TOPMed 0.01052; 1000 Genomes Project 30x 0.01093.
gnomAD v4.1: 2,803 of 1,614,152 alleles (0.17%); highest among the groups gnomAD compares: African/African-American, 3.2%; 46 homozygotes.

Submissions (3):

Labcorp Genetics (formerly Invitae), Labcorp
Classification: Benign for Developmental and epileptic encephalopathy, 31A. Last evaluated: 2026-02-03. Review status: criteria provided, single submitter. Criteria: Invitae Variant Classification Sherloc (09022015). Collection method: clinical testing. Allele origin: germline.

Center for Pediatric Genomic Medicine, Children's Mercy Hospital and Clinics
Classification: Likely benign. Last evaluated: 2017-04-19. Review status: criteria provided, single submitter. Criteria: ACMG Guidelines, 2015. Collection method: clinical testing. Allele origin: germline.

GeneDx
Classification: Benign. Last evaluated: 2016-01-20. Review status: criteria provided, single submitter. Criteria: GeneDx Variant Classification (06012015). Collection method: clinical testing. Allele origin: germline. Affected: yes.
Comment: This variant is considered likely benign or benign based on one or more of the following criteria: it is a conservative change, it occurs at a poorly conserved position in the protein, it is predicted to be benign by multiple in silico algorithms, and/or has population frequency not consistent with disease.

NM_004408.4(DNM1):c.1905+17C>T

Gene: DNM1 (dynamin 1; plus strand). Cytogenetic location: 9q34.11.
Variant type: single nucleotide variant.
Coding change: c.1905+17C>T on transcript NM_004408.4 (MANE Select); 17 bases into the intron after coding-DNA position 1905, C replaced by T.
Molecular consequence: intron variant.
Genome position (GRCh38, 1-based): chr9:128,247,952, C>T. VCF-style: chr9-128247952-C-T. GRCh37 (hg19) VCF-style: chr9-131010231-C-T.
Other names: c.1905+17C>T (NM_001005336.3, NM_001288738.2, NM_001288737.2 and 1 more transcripts).
Identifiers: ClinVar variation 382866 (VCV000382866.10), dbSNP rs115623280, ClinGen allele CA5258369.